The following is an entry in ClinVar:

ClinVar aggregate classification (germline): Uncertain significance (1 of 4 stars; one submission).

Conditions:
Inborn genetic diseases. Identifiers: MedGen C0950123, MeSH D030342.

Submission:

Ambry Genetics
Classification: Uncertain significance for Inborn genetic diseases. Last evaluated: 2025-04-28. Review status: criteria provided, single submitter. Criteria: Ambry Variant Classification Scheme 2023. Collection method: clinical testing. Allele origin: germline.
Comment: The p.D54G variant (also known as c.161A>G), located in coding exon 1 of the SAMD9L gene, results from an A to G substitution at nucleotide position 161. The aspartic acid at codon 54 is replaced by glycine, an amino acid with similar properties. This amino acid position is conserved. In addition, the in silico prediction for this alteration is inconclusive. Based on the available evidence, the clinical significance of this variant remains unclear.

NM_152703.5(SAMD9L):c.161A>G (p.Asp54Gly)

Gene: SAMD9L (sterile alpha motif domain containing 9 like; minus strand). Cytogenetic location: 7q21.2.
Variant type: single nucleotide variant.
Coding change: c.161A>G on transcript NM_152703.5 (MANE Select); coding-DNA position 161, A replaced by G.
Protein change: p.Asp54Gly; replaces aspartic acid 54 with glycine.
Molecular consequence: missense variant.
Genome position (GRCh38, 1-based): chr7:93,135,811, T>C on the plus strand (A>G on the coding strand, the complement: SAMD9L is on the minus strand). VCF-style: chr7-93135811-T-C. GRCh37 (hg19) VCF-style: chr7-92765124-T-C.
Other names: c.161A>G, p.Asp54Gly (NM_001303496.3, NM_001303497.3, NM_001303498.3 and 5 more transcripts); short protein forms D54G.
Identifiers: ClinVar variation 3949880 (VCV003949880.1).